The following is an entry in ClinVar:

ClinVar aggregate classification (germline): Uncertain significance (1 of 4 stars; one submission).

gnomAD v4.1: 4 of 1,583,172 alleles (0.00025%); highest among the groups gnomAD compares: Non-Finnish European, 0.00034%; no homozygotes.

Submission:

Labcorp Genetics (formerly Invitae), Labcorp
Classification: Uncertain significance. Last evaluated: 2025-12-09. Review status: criteria provided, single submitter. Criteria: Invitae Variant Classification Sherloc (09022015). Collection method: clinical testing. Allele origin: germline.
Comment: This sequence change replaces glycine, which is neutral and non-polar, with aspartic acid, which is acidic and polar, at codon 1125 of the DCHS1 protein (p.Gly1125Asp). This variant is not present in population databases (gnomAD no frequency). This variant has not been reported in the literature in individuals affected with DCHS1-related conditions. Invitae Evidence Modeling of protein sequence and biophysical properties (such as structural, functional, and spatial information, amino acid conservation, physicochemical variation, residue mobility, and thermodynamic stability) indicates that this missense variant is expected to disrupt DCHS1 protein function with a positive predictive value of 80%. In summary, the available evidence is currently insufficient to determine the role of this variant in disease. Therefore, it has been classified as a Variant of Uncertain Significance.

NM_003737.4(DCHS1):c.3374G>A (p.Gly1125Asp)

Gene: DCHS1 (dachsous cadherin-related 1; minus strand). Cytogenetic location: 11p15.4.
Variant type: single nucleotide variant.
Coding change: c.3374G>A on transcript NM_003737.4 (MANE Select); coding-DNA position 3374, G replaced by A.
Protein change: p.Gly1125Asp; replaces glycine 1125 with aspartic acid.
Molecular consequence: missense variant.
Genome position (GRCh38, 1-based): chr11:6,632,138, C>T on the plus strand (G>A on the coding strand, the complement: DCHS1 is on the minus strand). VCF-style: chr11-6632138-C-T. GRCh37 (hg19) VCF-style: chr11-6653369-C-T.
Other names: short protein forms G1125D.
Identifiers: ClinVar variation 4805220 (VCV004805220.1).